The following is an entry in ClinVar:

NM_024426.6(WT1):c.1429A>T (p.Thr477Ser)

Gene: WT1 (WT1 transcription factor; minus strand). Cytogenetic location: 11p13.
Variant type: single nucleotide variant.
Coding change: c.1429A>T on transcript NM_024426.6 (MANE Select); coding-DNA position 1429, A replaced by T.
Protein change: p.Thr477Ser; replaces threonine 477 with serine.
Molecular consequence: missense variant. On other transcripts: non-coding transcript variant (2), intron variant (2).
Genome position (GRCh38, 1-based): chr11:32,391,990, T>A on the plus strand (A>T on the coding strand, the complement: WT1 is on the minus strand). VCF-style: chr11-32391990-T-A. GRCh37 (hg19) VCF-style: chr11-32413536-T-A.
Other names: c.667A>T, p.Thr223Ser (NM_001407051.1); c.1210A>T, p.Thr404Ser (NM_001429031.1, NM_001429032.1); c.1159A>T, p.Thr387Ser (NM_001429033.1, NM_001429034.1); c.1429A>T, p.Thr477Ser (NM_024424.5); c.1303+676A>T (NM_001407049.1); c.1354+676A>T (NM_001407046.1); c.1378A>T, p.Thr460Ser (NM_000378.6, NM_001407045.1); c.778A>T, p.Thr260Ser (NM_001198551.2); and 6 more; short protein forms T387S, T460S, T477S, T81S, T223S, T419S, T436S, T475S.
Identifiers: ClinVar variation 5032065 (VCV005032065.1).

ClinVar aggregate classification (germline): Uncertain significance (1 of 4 stars; one submission).

Conditions:
Inborn genetic diseases. Identifiers: MedGen C0950123, MeSH D030342.

Submission:

Ambry Genetics
Classification: Uncertain significance for Inborn genetic diseases. Last evaluated: 2026-08-29. Review status: criteria provided, single submitter. Criteria: Ambry Variant Classification Scheme 2023. Collection method: clinical testing. Allele origin: germline.
Comment: The p.T472S variant (also known as c.1414A>T), located in coding exon 9 of the WT1 gene, results from an A to T substitution at nucleotide position 1414. The threonine at codon 472 is replaced by serine, an amino acid with similar properties. This amino acid position is conserved. In addition, the in silico prediction for this alteration is inconclusive. Based on the available evidence, the clinical significance of this variant remains unclear.